The following is an entry in ClinVar:

NM_002230.4(JUP):c.602C>T (p.Thr201Ile)

Gene: JUP (junction plakoglobin; minus strand). Cytogenetic location: 17q21.2.
Variant type: single nucleotide variant.
Coding change: c.602C>T on transcript NM_002230.4 (MANE Select); coding-DNA position 602, C replaced by T.
Protein change: p.Thr201Ile; replaces threonine 201 with isoleucine.
Molecular consequence: missense variant.
Genome position (GRCh38, 1-based): chr17:41,769,074, G>A on the plus strand (C>T on the coding strand, the complement: JUP is on the minus strand). VCF-style: chr17-41769074-G-A. GRCh37 (hg19) VCF-style: chr17-39925326-G-A.
Other names: c.602C>T, p.Thr201Ile (NM_001352773.2, NM_001352774.2, NM_001352775.2 and 3 more transcripts); short protein forms T201I.
Identifiers: ClinVar variation 1044263 (VCV001044263.8), dbSNP rs1916155693, ClinGen allele CA399503011.
Genomic context (GRCh38, chr17:41,769,074, plus strand): 5'-GCGAGCAGCCCCTCCCGGTGGTGGGAGAGGTTGTGCAGGATGCTGGTGGTGCAGCGGGCT[G>A]TGTCCAGGTCGCTGGTATTCTGCATGGTACGCACGACAGCGGCCACCAGCTGGGGCGAGC-3'
Protein context (NP_002221.1, residues 191-211): RTMQNTSDLD[Thr201Ile]ARCTTSILHN

ClinVar aggregate classification (germline): Uncertain significance (1 of 4 stars; one submission).

Conditions:
Naxos disease (NXD). Also called: KERATOSIS PALMOPLANTARIS WITH ARRHYTHMOGENIC CARDIOMYOPATHY; MAL DE NAXOS; PALMOPLANTAR KERATODERMA WITH ARRHYTHMOGENIC RIGHT VENTRICULAR CARDIOMYOPATHY AND WOOLLY HAIR; WOOLLY HAIR, PALMOPLANTAR KERATODERMA, AND CARDIAC ABNORMALITIES; CARDIOMYOPATHY, ARRHYTHMOGENIC RIGHT VENTRICULAR, WITH SKIN, HAIR, AND NAIL ABNORMALITIES. Identifiers: Orphanet 34217, MedGen C1832600, MONDO:0011017, OMIM 601214.
Arrhythmogenic right ventricular dysplasia 12. Also called: ARRHYTHMOGENIC RIGHT VENTRICULAR DYSPLASIA, FAMILIAL, 12. Identifiers: MedGen C1969081, MONDO:0012684, OMIM 611528.

Allele frequency attached by ClinVar (database versions not stated): gnomAD exomes below 0.00001.

Submission:

Labcorp Genetics (formerly Invitae), Labcorp
Classification: Uncertain significance for Arrhythmogenic right ventricular dysplasia 12; Naxos disease. Last evaluated: 2020-09-09. Review status: criteria provided, single submitter. Criteria: Invitae Variant Classification Sherloc (09022015). Collection method: clinical testing. Allele origin: germline.
Comment: This variant is not present in population databases (ExAC no frequency). In summary, the available evidence is currently insufficient to determine the role of this variant in disease. Therefore, it has been classified as a Variant of Uncertain Significance. Algorithms developed to predict the effect of missense changes on protein structure and function are either unavailable or do not agree on the potential impact of this missense change (SIFT: "Tolerated"; PolyPhen-2: "Probably Damaging"; Align-GVGD: "Class C0"). This variant has not been reported in the literature in individuals with JUP-related conditions. This sequence change replaces threonine with isoleucine at codon 201 of the JUP protein (p.Thr201Ile). The threonine residue is moderately conserved and there is a moderate physicochemical difference between threonine and isoleucine.